The following is an entry in ClinVar:

NM_152703.5(SAMD9L):c.1013A>G (p.Asn338Ser)

Gene: SAMD9L (sterile alpha motif domain containing 9 like; minus strand). Cytogenetic location: 7q21.2.
Variant type: single nucleotide variant.
Coding change: c.1013A>G on transcript NM_152703.5 (MANE Select); coding-DNA position 1013, A replaced by G.
Protein change: p.Asn338Ser; replaces asparagine 338 with serine.
Molecular consequence: missense variant.
Genome position (GRCh38, 1-based): chr7:93,134,959, T>C on the plus strand (A>G on the coding strand, the complement: SAMD9L is on the minus strand). VCF-style: chr7-93134959-T-C. GRCh37 (hg19) VCF-style: chr7-92764272-T-C.
Other names: c.1013A>G, p.Asn338Ser (NM_001303496.3, NM_001303497.3, NM_001303498.3 and 5 more transcripts); c.1013A>G (NM_152703.2); short protein forms N338S.
Identifiers: ClinVar variation 2429621 (VCV002429621.6), dbSNP rs753650625, ClinGen allele CA4343779.

ClinVar aggregate classification (germline): Uncertain significance. Review status: criteria provided, multiple submitters, no conflicts (2 of 4 stars). 4 submissions from 4 submitters: Uncertain significance (3). 1 of the submissions does not count toward it. Last evaluated 2025-12-19.

Conditions:
Inborn genetic diseases. Identifiers: MedGen C0950123, MeSH D030342.
SAMD9L-related disorder. Also called: SAMD9L-related disorders; SAMD9L-related condition.

Allele frequency attached by ClinVar (database versions not stated): ExAC 0.00002.
gnomAD v4.1: 9 of 1,613,606 alleles (0.00056%); highest among the groups gnomAD compares: Non-Finnish European, 0.00076%; no homozygotes.

Submissions (4):

Labcorp Genetics (formerly Invitae), Labcorp
Classification: Uncertain significance. Last evaluated: 2025-12-19. Review status: criteria provided, single submitter. Criteria: Invitae Variant Classification Sherloc (09022015). Collection method: clinical testing. Allele origin: germline.
Comment: This sequence change replaces asparagine, which is neutral and polar, with serine, which is neutral and polar, at codon 338 of the SAMD9L protein (p.Asn338Ser). This variant is present in population databases (rs753650625, gnomAD 0.003%). This variant has not been reported in the literature in individuals affected with SAMD9L-related conditions. ClinVar contains an entry for this variant (Variation ID: 2429621). An algorithm developed to predict the effect of missense changes on protein structure and function (PolyPhen-2) suggests that this variant is likely to be tolerated. In summary, the available evidence is currently insufficient to determine the role of this variant in disease. Therefore, it has been classified as a Variant of Uncertain Significance.

Ambry Genetics
Classification: Uncertain significance for Inborn genetic diseases. Last evaluated: 2025-08-29. Review status: criteria provided, single submitter. Criteria: Ambry Variant Classification Scheme 2023. Collection method: clinical testing. Allele origin: germline.
Comment: The p.N338S variant (also known as c.1013A>G), located in coding exon 1 of the SAMD9L gene, results from an A to G substitution at nucleotide position 1013. The asparagine at codon 338 is replaced by serine, an amino acid with highly similar properties. This amino acid position is conserved. In addition, this alteration is predicted to be tolerated by in silico analysis. Based on the available evidence, the clinical significance of this variant remains unclear.

GeneDx
Classification: Uncertain significance. Last evaluated: 2022-08-11. Review status: criteria provided, single submitter. Criteria: GeneDx Variant Classification Process June 2021. Collection method: clinical testing. Allele origin: germline. Affected: yes.
Comment: Not observed at significant frequency in large population cohorts (gnomAD); In silico analysis supports that this missense variant does not alter protein structure/function; Has not been previously published as pathogenic or benign to our knowledge

PreventionGenetics, part of Exact Sciences
Classification: Uncertain significance for SAMD9L-related condition. Last evaluated: 2024-03-04. Review status: no assertion criteria provided. Collection method: clinical testing. Allele origin: germline. Not counted in ClinVar's aggregate classification.
Comment: The SAMD9L c.1013A>G variant is predicted to result in the amino acid substitution p.Asn338Ser. To our knowledge, this variant has not been reported in the literature. This variant is reported in 0.0026% of alleles in individuals of European (Non-Finnish) descent in gnomAD. At this time, the clinical significance of this variant is uncertain due to the absence of conclusive functional and genetic evidence.